The following is an entry in ClinVar:

ClinVar aggregate classification (germline): Benign (1 of 4 stars; one submission).

Conditions:
BAP1-related tumor predisposition syndrome (TPDS1). Also called: COMMON Syndrome; TUMOR PREDISPOSITION SYNDROME 1; BAP1 tumor predisposition syndrome; Tumor susceptibility linked to germline BAP1 mutations. Identifiers: Orphanet 289539, MedGen C3280492, MONDO:0013692, OMIM 614327.

Allele frequency attached by ClinVar (database versions not stated): 1000 Genomes Project 0.00200; 1000 Genomes Project 30x 0.00203; TOPMed 0.00321.

Submission:

Illumina Laboratory Services, Illumina
Classification: Benign for BAP1-related tumor predisposition syndrome. Last evaluated: 2018-01-13. Review status: criteria provided, single submitter. Criteria: ICSL Variant Classification Criteria 13 December 2019. Collection method: clinical testing. Allele origin: germline.
Comment: This variant was observed in the ICSL laboratory as part of a predisposition screen in an ostensibly healthy population. It had not been previously curated by ICSL or reported in the Human Gene Mutation Database (HGMD: prior to June 1st, 2018), and was therefore a candidate for classification through an automated scoring system. Utilizing variant allele frequency, disease prevalence and penetrance estimates, and inheritance mode, an automated score was calculated to assess if this variant is too frequent to cause the disease. Based on the score and internal cut-off values, a variant classified as benign is not then subjected to further curation. The score for this variant resulted in a classification of benign for this disease.

NM_004656.4(BAP1):c.*1164G>C

Gene: BAP1 (BRCA1 associated deubiquitinase 1; minus strand). Cytogenetic location: 3p21.1.
Variant type: single nucleotide variant.
Coding change: c.*1164G>C on transcript NM_004656.4 (MANE Select); 1164 bases downstream of the stop codon, G replaced by C.
Molecular consequence: 3 prime UTR variant.
Genome position (GRCh38, 1-based): chr3:52,401,124, C>G on the plus strand (G>C on the coding strand, the complement: BAP1 is on the minus strand). VCF-style: chr3-52401124-C-G. GRCh37 (hg19) VCF-style: chr3-52435140-C-G.
Identifiers: ClinVar variation 346103 (VCV000346103.5), dbSNP rs376927338, ClinGen allele CA10616989.
Genomic context (GRCh38, chr3:52,401,124, plus strand): 5'-GGCTAGAGGGGTCAAGCTGTGCTCAGCCCAGAGGCAGCTGCCACACTTGCCAGCACCCCC[C>G]ACTCAGTCACTATGTACAGATAAAGGGGCCTGCTTGGATCACCTTTTTCAAAGCCATCTG-3'